The following is an entry in ClinVar:

ClinVar aggregate classification (germline): Uncertain significance. Review status: no assertion criteria provided (0 of 4 stars). 2 submissions from 1 submitter: Uncertain significance (1). 1 of the submissions does not count toward it.

Allele frequency attached by ClinVar (database versions not stated): gnomAD exomes below 0.00001.
gnomAD v4.1: 1 of 1,614,080 alleles (0.000062%); highest among the groups gnomAD compares: African/African-American, 0.0013%; no homozygotes.

Submissions (2):

Richard Lifton Laboratory, Yale University School of Medicine
Classification: Uncertain significance. Review status: no assertion criteria provided. Collection method: not provided. Allele origin: somatic.
Comment: TRPM6:p.H1867R
ClinVar note: Converted during submission from unknown to Uncertain significance.

Richard Lifton Laboratory, Yale University School of Medicine
Classification: Uncertain significance. Review status: flagged submission. Collection method: not provided. Allele origin: somatic. Not counted in ClinVar's aggregate classification.
ClinVar note: Converted during submission from unknown to Uncertain significance.
ClinVar note: Reason: This record appears to be redundant with a more recent record from the same submitter.
ClinVar note: Notes: SCV000120091 appears to be redundant with SCV000155195.

NM_017662.5(TRPM6):c.5600A>G (p.His1867Arg)

Gene: TRPM6 (transient receptor potential cation channel subfamily M member 6; minus strand). Cytogenetic location: 9q21.13.
Variant type: single nucleotide variant.
Coding change: c.5600A>G on transcript NM_017662.5 (MANE Select); coding-DNA position 5600, A replaced by G.
Protein change: p.His1867Arg; replaces histidine 1867 with arginine.
Molecular consequence: missense variant.
Genome position (GRCh38, 1-based): chr9:74,738,583, T>C on the plus strand (A>G on the coding strand, the complement: TRPM6 is on the minus strand). VCF-style: chr9-74738583-T-C. GRCh37 (hg19) VCF-style: chr9-77353499-T-C.
Other names: c.5585A>G, p.His1862Arg (NM_001177310.2, NM_001177311.2); short protein forms H1867R, H1862R.
Identifiers: ClinVar variation 100866 (VCV000100866.2), dbSNP rs483352743, ClinGen allele CA229158.